The following is an entry in ClinVar:

NM_000443.4(ABCB4):c.3477G>A (p.Thr1159=)

Gene: ABCB4 (ATP binding cassette subfamily B member 4; minus strand). Cytogenetic location: 7q21.12.
Variant type: single nucleotide variant.
Coding change: c.3477G>A on transcript NM_000443.4 (MANE Select); coding-DNA position 3477, G replaced by A.
Protein change: p.Thr1159=; no amino-acid change (threonine 1159 retained).
Molecular consequence: synonymous variant.
Genome position (GRCh38, 1-based): chr7:87,406,297, C>T on the plus strand (G>A on the coding strand, the complement: ABCB4 is on the minus strand). VCF-style: chr7-87406297-C-T. GRCh37 (hg19) VCF-style: chr7-87035613-C-T.
Other names: c.3477G>A (NM_000443.3); c.3498G>A, p.Thr1166= (NM_018849.3); c.3336G>A, p.Thr1112= (NM_018850.3).
Identifiers: ClinVar variation 287236 (VCV000287236.11), dbSNP rs368458295, ClinGen allele CA4326762.

ClinVar aggregate classification (germline): Conflicting classifications of pathogenicity. Review status: criteria provided, conflicting classifications (1 of 4 stars). 4 submissions from 4 submitters: Uncertain significance (1); Likely benign (2). 1 of the submissions does not count toward it. Last evaluated 2026-04-14.

Conditions:
ABCB4-related disorder. Also called: ABCB4-related disorders; ABCB4-related condition.
Low phospholipid associated cholelithiasis (GBD1). Also called: Gallbladder disease 1; Gallstone cholecystitis. Identifiers: Orphanet 69663, MedGen C2609268, MONDO:0010939, OMIM 600803.
Familial intrahepatic cholestasis. Identifiers: Orphanet 284385, MedGen CN296401, MONDO:0017290.

Allele frequency attached by ClinVar (database versions not stated): gnomAD exomes 0.00007 and 0.00016; ESP Exome Variant Server 0.00008; gnomAD 0.00008 and 0.00009; TOPMed 0.00009; ExAC 0.00016; 1000 Genomes Project 30x 0.00031.
gnomAD v4.1: 112 of 1,614,016 alleles (0.0069%); highest among the groups gnomAD compares: East Asian, 0.11%; no homozygotes.

Submissions (4):

Genomenon, Inc
Classification: Likely benign for Familial intrahepatic cholestasis; Low phospholipid associated cholelithiasis. Last evaluated: 2026-04-14. Review status: criteria provided, single submitter. Criteria: Genomenon Sequence Variant Interpretation Standards - Updated. Collection method: curation. Allele origin: germline. Affected: no.
Comment: ABCB4 c.3477G>A is a synonymous variant that retains Threonine at residue 1159. This variant has been reported in the published literature (PMID:30079523). This synonymous variant is not predicted to impact splicing. In conclusion, we classify ABCB4 p.Thr1159= (c.3477G>A) as a likely benign variant.

Labcorp Genetics (formerly Invitae), Labcorp
Classification: Likely benign. Last evaluated: 2026-01-31. Review status: criteria provided, single submitter. Criteria: Invitae Variant Classification Sherloc (09022015). Collection method: clinical testing. Allele origin: germline.

Eurofins Ntd Llc (ga)
Classification: Uncertain significance. Last evaluated: 2016-05-19. Review status: criteria provided, single submitter. Criteria: EGL Classification Definitions 2015. Collection method: clinical testing. Allele origin: germline. Observed: 1 variant allele, 1 heterozygote.

PreventionGenetics, part of Exact Sciences
Classification: Likely benign for ABCB4-related condition. Last evaluated: 2019-12-16. Review status: no assertion criteria provided. Collection method: clinical testing. Allele origin: germline. Not counted in ClinVar's aggregate classification.
Comment: This variant is classified as likely benign based on ACMG/AMP sequence variant interpretation guidelines (Richards et al. 2015 PMID: 25741868, with internal and published modifications).

Literature cited by the submitters: PubMed 30079523 (cited by Genomenon, Inc).